The following is an entry in ClinVar:

ClinVar aggregate classification (germline): Benign/Likely benign. Review status: criteria provided, multiple submitters, no conflicts (2 of 4 stars). 22 submissions from 19 submitters: Benign (9); Likely benign (9). 4 of the submissions do not count toward it. Last evaluated 2026-01-27.

Conditions:
Myosin storage myopathy (CMYO7A). Also called: MYOPATHY WITH LYSIS OF TYPE I MYOFIBRILS; MYOPATHY, HYALINE BODY, AUTOSOMAL DOMINANT; SCAPULOPERONEAL MUSCULAR DYSTROPHY; SCAPULOPERONEAL SYNDROME, MYOPATHIC TYPE; MYH7-related late-onset scapuloperoneal muscular dystrophy; Congenital myopathy 7A, myosin storage, autosomal dominant. Identifiers: Orphanet 437572, Orphanet 636965, MedGen C1842160, MONDO:0008409, OMIM 608358.
Hypertrophic cardiomyopathy 1 (CMH1). Also called: Familial hypertrophic cardiomyopathy 1; MYH7-Related Familial Hypertrophic Cardiomyopathy. Identifiers: MedGen C3495498, MONDO:0008647, OMIM 192600.
Myopathy, myosin storage, autosomal recessive (CMYO7B). Also called: CONGENITAL MYOPATHY 7B, MYOSIN STORAGE, AUTOSOMAL RECESSIVE. Identifiers: Orphanet 636970, MedGen C1850709, MONDO:0009708, OMIM 255160.
Dilated cardiomyopathy 1S (CMD1S). Identifiers: Orphanet 154, Orphanet 54260, MedGen C1834481, MONDO:0013262, OMIM 613426.
MYH7-related skeletal myopathy. Also called: Myopathy, distal, 1; Laing distal myopathy; MYOPATHY, DISTAL, EARLY-ONSET, AUTOSOMAL DOMINANT; MYOPATHY, LATE DISTAL HEREDITARY; Laing early-onset distal myopathy. Identifiers: Orphanet 59135, MedGen C4552004, MONDO:0008050, OMIM 160500.
Congenital myopathy with fiber type disproportion. Also called: Congenital fiber-type disproportion myopathy; Congenital fiber-type disproportion. Identifiers: Orphanet 2020, MedGen C0546264, MONDO:0009711. Inheritance: all.
Cardiovascular phenotype. Identifiers: MedGen CN230736.
Cardiomyopathy (CMYO). Also called: Cardiomyopathies. Identifiers: Orphanet 167848, MedGen C0878544, MONDO:0004994, HP:0001638. Inheritance: Various modes of inheritance.
Hypertrophic cardiomyopathy. Also called: HYPERTROPHIC MYOCARDIOPATHY. Identifiers: Orphanet 217569, MedGen C0007194, MeSH D002312, MONDO:0005045, HP:0001639.

Allele frequency attached by ClinVar (database versions not stated): ESP Exome Variant Server 0.00038; TOPMed 0.00050; 1000 Genomes Project 30x 0.00125; 1000 Genomes Project 0.00160; gnomAD 0.00267 and 0.00271.
gnomAD v4.1: 3,055 of 1,612,902 alleles (0.19%); highest among the groups gnomAD compares: East Asian, 2%; 36 homozygotes.

Submissions (22):

Labcorp Genetics (formerly Invitae), Labcorp
Classification: Benign for Hypertrophic cardiomyopathy. Last evaluated: 2026-01-27. Review status: criteria provided, single submitter. Criteria: Invitae Variant Classification Sherloc (09022015). Collection method: clinical testing. Allele origin: germline.

Molecular Diagnostic Laboratory for Inherited Cardiovascular Disease, Montreal Heart Institute
Classification: Benign. Last evaluated: 2025-04-09. Review status: criteria provided, single submitter. Criteria: ACMG Guidelines, 2015. Collection method: clinical testing. Allele origin: germline. Affected: no.

Blueprint Genetics
Classification: Likely benign. Last evaluated: 2024-11-19. Review status: criteria provided, single submitter. Criteria: ACMG Guidelines, 2015. Collection method: clinical testing. Allele origin: germline.

CeGaT Center for Human Genetics Tuebingen
Classification: Likely benign. Last evaluated: 2024-02-01. Review status: criteria provided, single submitter. Criteria: CeGaT Center For Human Genetics Tuebingen Variant Classification Criteria Version 2. Collection method: clinical testing. Allele origin: germline. Affected: yes. Observed: 8 variant alleles.
Comment: MYH7: BP4, BP7, BS2

Fulgent Genetics
Classification: Likely benign for MYH7-related skeletal myopathy; Myosin storage myopathy; Hypertrophic cardiomyopathy 1; Myopathy, myosin storage, autosomal recessive; Congenital myopathy 4A, autosomal dominant; Dilated cardiomyopathy 1S. Last evaluated: 2021-08-26. Review status: criteria provided, single submitter. Criteria: ACMG Guidelines, 2015. Collection method: clinical testing. Allele origin: unknown.

Women's Health and Genetics/Laboratory Corporation of America, LabCorp
Classification: Benign. Last evaluated: 2019-06-24. Review status: criteria provided, single submitter. Criteria: LabCorp Variant Classification Summary - May 2015. Collection method: clinical testing. Allele origin: germline.

CHEO Genetics Diagnostic Laboratory, Children's Hospital of Eastern Ontario
Classification: Benign for Cardiomyopathy. Last evaluated: 2018-09-20. Review status: criteria provided, single submitter. Criteria: ACMG Guidelines, 2015. Collection method: clinical testing. Allele origin: germline.

Color Diagnostics, LLC DBA Color Health
Classification: Benign for Cardiomyopathy. Last evaluated: 2018-03-15. Review status: criteria provided, single submitter. Criteria: ACMG Guidelines, 2015. Collection method: clinical testing. Allele origin: germline.

Illumina Laboratory Services, Illumina
Classification: Likely benign for Hypertrophic cardiomyopathy 1. Last evaluated: 2018-03-14. Review status: criteria provided, single submitter. Criteria: ICSL Variant Classification Criteria 13 December 2019. Collection method: clinical testing. Allele origin: germline.
Comment: This variant was observed as part of a predisposition screen in an ostensibly healthy population. A literature search was performed for the gene, cDNA change, and amino acid change (where applicable). No publications were found based on this search. Allele frequency data from public databases allowed determination this variant is unlikely to cause disease. Therefore, this variant is classified as likely benign.

Illumina Laboratory Services, Illumina
Classification: Likely benign for Myosin storage myopathy. Last evaluated: 2018-03-14. Review status: criteria provided, single submitter. Criteria: ICSL Variant Classification Criteria 13 December 2019. Collection method: clinical testing. Allele origin: germline.
Comment: the same text as in the submission from Illumina Laboratory Services, Illumina above.

Illumina Laboratory Services, Illumina
Classification: Likely benign for Dilated cardiomyopathy 1S. Last evaluated: 2018-03-14. Review status: criteria provided, single submitter. Criteria: ICSL Variant Classification Criteria 13 December 2019. Collection method: clinical testing. Allele origin: germline.
Comment: the same text as in the submission from Illumina Laboratory Services, Illumina above.

Illumina Laboratory Services, Illumina
Classification: Likely benign for MYH7-related skeletal myopathy. Last evaluated: 2018-03-14. Review status: criteria provided, single submitter. Criteria: ICSL Variant Classification Criteria 13 December 2019. Collection method: clinical testing. Allele origin: germline.
Comment: the same text as in the submission from Illumina Laboratory Services, Illumina above.

Ambry Genetics
Classification: Benign for Cardiovascular phenotype. Last evaluated: 2017-04-26. Review status: criteria provided, single submitter. Criteria: Ambry Variant Classification Scheme 2023. Collection method: clinical testing. Allele origin: germline.

Athena Diagnostics
Classification: Benign. Last evaluated: 2017-03-02. Review status: criteria provided, single submitter. Criteria: Athena Diagnostics Criteria. Collection method: clinical testing. Allele origin: germline.

GeneDx
Classification: Benign. Last evaluated: 2014-01-18. Review status: criteria provided, single submitter. Criteria: GeneDx Variant Classification (06012015). Collection method: clinical testing. Allele origin: germline. Affected: yes.
Comment: This variant is considered likely benign or benign based on one or more of the following criteria: it is a conservative change, it occurs at a poorly conserved position in the protein, it is predicted to be benign by multiple in silico algorithms, and/or has population frequency not consistent with disease.

Laboratory for Molecular Medicine, Mass General Brigham Personalized Medicine
Classification: Likely benign. Last evaluated: 2010-05-03. Review status: criteria provided, single submitter. Criteria: LMM Criteria. Collection method: clinical testing. Allele origin: germline. Observed: 7 variant alleles.
Comment: p.Ser1413Ser in exon 31 of MYH7: This variant is not expected to have clinical s ignificance because it does not alter an amino acid residue and is not located w ithin the splice consensus sequence. It has been identified in 4/8600 European A merican chromosomes by the NHLBI Exome Sequencing Project (dbSNP rs3729821).

Breakthrough Genomics
Classification: Likely benign. Review status: criteria provided, single submitter. Criteria: ACMG Guidelines, 2015. Collection method: not provided. Allele origin: germline. Inheritance: Autosomal recessive inheritance. Affected: yes.

PreventionGenetics, part of Exact Sciences
Classification: Benign. Review status: criteria provided, single submitter. Criteria: ACMG Guidelines, 2015. Collection method: clinical testing. Allele origin: germline.

Clinical Genetics DNA and cytogenetics Diagnostics Lab, Erasmus MC, Erasmus Medical Center
Classification: Likely benign. Review status: no assertion criteria provided. Collection method: clinical testing. Allele origin: germline. Affected: yes. Study: VKGL Data-share Consensus. Not counted in ClinVar's aggregate classification.

Clinical Genetics, Academic Medical Center
Classification: Benign. Review status: no assertion criteria provided. Collection method: clinical testing. Allele origin: germline. Affected: yes. Study: VKGL Data-share Consensus. Not counted in ClinVar's aggregate classification.

Genome Diagnostics Laboratory, University Medical Center Utrecht
Classification: Likely benign. Review status: no assertion criteria provided. Collection method: clinical testing. Allele origin: germline. Affected: yes. Study: VKGL Data-share Consensus. Not counted in ClinVar's aggregate classification.

Joint Genome Diagnostic Labs from Nijmegen and Maastricht, Radboudumc and MUMC+
Classification: Likely benign. Review status: no assertion criteria provided. Collection method: clinical testing. Allele origin: germline. Affected: yes. Study: VKGL Data-share Consensus. Not counted in ClinVar's aggregate classification.

Literature cited by the submitters: PubMed 15556047 (cited by Women's Health and Genetics/Laboratory Corporation of America, LabCorp); PubMed 20817590 (cited by Athena Diagnostics).

NM_000257.4(MYH7):c.4239G>A (p.Ser1413=)

Gene: MYH7 (myosin heavy chain 7; minus strand). Cytogenetic location: 14q11.2.
Variant type: single nucleotide variant.
Coding change: c.4239G>A on transcript NM_000257.4 (MANE Select); coding-DNA position 4239, G replaced by A.
Protein change: p.Ser1413=; no amino-acid change (serine 1413 retained).
Molecular consequence: synonymous variant.
Genome position (GRCh38, 1-based): chr14:23,417,617, C>T on the plus strand (G>A on the coding strand, the complement: MYH7 is on the minus strand). VCF-style: chr14-23417617-C-T. GRCh37 (hg19) VCF-style: chr14-23886826-C-T.
Other names: p.S1413S:TCG>TCA.
Identifiers: ClinVar variation 43001 (VCV000043001.66), dbSNP rs3729821, ClinGen allele CA014697.